The following is an entry in ClinVar:

ClinVar aggregate classification (germline): Uncertain significance (1 of 4 stars; one submission).

Conditions:
Hypertrophic cardiomyopathy. Also called: HYPERTROPHIC MYOCARDIOPATHY. Identifiers: Orphanet 217569, MedGen C0007194, MeSH D002312, MONDO:0005045, HP:0001639.

Allele frequency attached by ClinVar (database versions not stated): gnomAD exomes below 0.00001; TOPMed below 0.00001.
gnomAD v4.1: 4 of 1,611,846 alleles (0.00025%); highest among the groups gnomAD compares: East Asian, 0.0089%; no homozygotes.

Submission:

Labcorp Genetics (formerly Invitae), Labcorp
Classification: Uncertain significance for Hypertrophic cardiomyopathy. Last evaluated: 2022-04-19. Review status: criteria provided, single submitter. Criteria: Invitae Variant Classification Sherloc (09022015). Collection method: clinical testing. Allele origin: germline.
Comment: In summary, the available evidence is currently insufficient to determine the role of this variant in disease. Therefore, it has been classified as a Variant of Uncertain Significance. Algorithms developed to predict the effect of missense changes on protein structure and function are either unavailable or do not agree on the potential impact of this missense change (SIFT: "Tolerated"; PolyPhen-2: "Probably Damaging"; Align-GVGD: "Class C0"). This sequence change replaces glycine, which is neutral and non-polar, with alanine, which is neutral and non-polar, at codon 1018 of the MYOM1 protein (p.Gly1018Ala). This variant is not present in population databases (gnomAD no frequency). This variant has not been reported in the literature in individuals affected with MYOM1-related conditions.

NM_003803.4(MYOM1):c.3053G>C (p.Gly1018Ala)

Gene: MYOM1 (myomesin 1; minus strand). Cytogenetic location: 18p11.31.
Variant type: single nucleotide variant.
Coding change: c.3053G>C on transcript NM_003803.4 (MANE Select); coding-DNA position 3053, G replaced by C.
Protein change: p.Gly1018Ala; replaces glycine 1018 with alanine.
Molecular consequence: missense variant.
Genome position (GRCh38, 1-based): chr18:3,119,934, C>G on the plus strand (G>C on the coding strand, the complement: MYOM1 is on the minus strand). VCF-style: chr18-3119934-C-G. GRCh37 (hg19) VCF-style: chr18-3119932-C-G.
Other names: c.2765G>C, p.Gly922Ala (NM_019856.2); short protein forms G1018A, G922A.
Identifiers: ClinVar variation 2127898 (VCV002127898.4), dbSNP rs2079661414, ClinGen allele CA401707035.